The following is an entry in ClinVar:

NM_005223.4(DNASE1):c.453C>T (p.Ala151=)

Gene: DNASE1 (deoxyribonuclease 1; plus strand). Cytogenetic location: 16p13.3.
Variant type: single nucleotide variant.
Coding change: c.453C>T on transcript NM_005223.4 (MANE Select); coding-DNA position 453, C replaced by T.
Protein change: p.Ala151=; no amino-acid change (alanine 151 retained).
Molecular consequence: synonymous variant. On other transcripts: non-coding transcript variant (2).
Genome position (GRCh38, 1-based): chr16:3,657,015, C>T. VCF-style: chr16-3657015-C-T. GRCh37 (hg19) VCF-style: chr16-3707016-C-T.
Other names: c.453C>T, p.Ala151= (NM_001351825.2, NM_001387135.1, NM_001387140.1); c.522C>T, p.Ala174= (NM_001387139.1); c.246C>T, p.Ala82= (NM_001387141.1).
Identifiers: ClinVar variation 3239490 (VCV003239490.19), dbSNP rs2548287826.

ClinVar aggregate classification (germline): Likely benign (1 of 4 stars; one submission).

Submission:

CeGaT Center for Human Genetics Tuebingen
Classification: Likely benign. Last evaluated: 2024-05-01. Review status: criteria provided, single submitter. Criteria: CeGaT Center For Human Genetics Tuebingen Variant Classification Criteria Version 2. Collection method: clinical testing. Allele origin: germline. Affected: yes. Observed: 1 variant allele.
Comment: DNASE1: PM2:Supporting, BP4, BP7